The following is an entry in ClinVar:

ClinVar aggregate classification (germline): Uncertain significance. Review status: criteria provided, multiple submitters, no conflicts (2 of 4 stars). 2 submissions from 2 submitters: Uncertain significance (2). Last evaluated 2024-01-31.

Conditions:
Hereditary cancer-predisposing syndrome. Also called: Neoplastic Syndromes, Hereditary; Hereditary Cancer Syndrome; Tumor predisposition; Hereditary neoplastic syndrome. Identifiers: Orphanet 140162, MedGen C0027672, MeSH D009386, MONDO:0015356.
Ataxia-telangiectasia syndrome (AT). Also called: LOUIS-BAR SYNDROME; Cerebello-oculocutaneous telangiectasia; Immunodeficiency with ataxia telangiectasia; Ataxia-telangiectasia, complementation group D; AT, COMPLEMENTATION GROUP C; Ataxia-telangiectasia, complementation group E. Identifiers: Orphanet 100, MedGen C0004135, MONDO:0008840, OMIM 208900.

Submissions (2):

Ambry Genetics
Classification: Uncertain significance for Hereditary cancer-predisposing syndrome. Last evaluated: 2024-01-31. Review status: criteria provided, single submitter. Criteria: Ambry Variant Classification Scheme 2023. Collection method: clinical testing. Allele origin: germline.
Comment: The p.L2630V variant (also known as c.7888T>G), located in coding exon 52 of the ATM gene, results from a T to G substitution at nucleotide position 7888. The leucine at codon 2630 is replaced by valine, an amino acid with highly similar properties. This amino acid position is conserved. In addition, the in silico prediction for this alteration is inconclusive. Based on the available evidence, the clinical significance of this alteration remains unclear.

Labcorp Genetics (formerly Invitae), Labcorp
Classification: Uncertain significance for Ataxia-telangiectasia syndrome. Last evaluated: 2017-07-25. Review status: criteria provided, single submitter. Criteria: Invitae Variant Classification Sherloc (09022015). Collection method: clinical testing. Allele origin: germline.
Comment: Algorithms developed to predict the effect of sequence changes on RNA splicing suggest that this variant may create or strengthen a splice site, but this prediction has not been confirmed by published transcriptional studies. In summary, the available evidence is currently insufficient to determine the role of this variant in disease. Therefore, it has been classified as a Variant of Uncertain Significance. Algorithms developed to predict the effect of missense changes on protein structure and function do not agree on the potential impact of this missense change (SIFT: "Deleterious"; PolyPhen-2: "Possibly Damaging"; Align-GVGD: "Class C0"). This variant has not been reported in the literature in individuals with ATM-related disease. This variant is not present in population databases (ExAC no frequency). This sequence change replaces leucine with valine at codon 2630 of the ATM protein (p.Leu2630Val). The leucine residue is highly conserved and there is a small physicochemical difference between leucine and valine.

NM_000051.4(ATM):c.7888T>G (p.Leu2630Val)

Genes: ATM (ATM serine/threonine kinase; plus strand), C11orf65 (chromosome 11 open reading frame 65; minus strand). Cytogenetic location: 11q22.3.
Variant type: single nucleotide variant.
Coding change: c.7888T>G on transcript NM_000051.4 (MANE Select); coding-DNA position 7888, T replaced by G.
Protein change: p.Leu2630Val; replaces leucine 2630 with valine.
Molecular consequence: missense variant. On other transcripts: intron variant (2).
Genome position (GRCh38, 1-based): chr11:108,332,861, T>G. VCF-style: chr11-108332861-T-G. GRCh37 (hg19) VCF-style: chr11-108203588-T-G.
Other names: c.7888T>G, p.Leu2630Val (NM_001351834.2); c.641-23790A>C (NM_001330368.2); c.*38+2359A>C (NM_001351110.2); short protein forms L2630V.
Identifiers: ClinVar variation 453708 (VCV000453708.10), dbSNP rs1555125427, ClinGen allele CA382561448.
Genomic context (GRCh38, chr11:108,332,861, plus strand): 5'-AGAAGTAGGAGACCTCAGATGGTCAGAAGTGTTGAGGCACTTTGTGATGCTTATATTATA[T>G]TAGCAAACTTAGATGCCACTCAGTGGAAGACTCAGAGAAGTATGTTTTTTTTAAAGAAGA-3'
Protein context (NP_000042.3, residues 2620-2640): VEALCDAYII[Leu2630Val]ANLDATQWKT